The following is an entry in ClinVar:

ClinVar aggregate classification (germline): Uncertain significance. Review status: criteria provided, multiple submitters, no conflicts (2 of 4 stars). 2 submissions from 2 submitters: Uncertain significance (2). Last evaluated 2025-05-25.

Conditions:
Familial thoracic aortic aneurysm and aortic dissection (TAAD). Also called: Thoracic aortic aneurysms and dissections. Identifiers: Orphanet 91387, MedGen C4707243, MONDO:0019625.
Adams-Oliver syndrome 5 (AOS5). Identifiers: Orphanet 974, MedGen C4014970, MONDO:0014459, OMIM 616028.

Submissions (2):

Labcorp Genetics (formerly Invitae), Labcorp
Classification: Uncertain significance for Adams-Oliver syndrome 5. Last evaluated: 2025-05-25. Review status: criteria provided, single submitter. Criteria: Invitae Variant Classification Sherloc (09022015). Collection method: clinical testing. Allele origin: germline.
Comment: This sequence change replaces asparagine, which is neutral and polar, with aspartic acid, which is acidic and polar, at codon 2324 of the NOTCH1 protein (p.Asn2324Asp). This variant is not present in population databases (gnomAD no frequency). This variant has not been reported in the literature in individuals affected with NOTCH1-related conditions. Invitae Evidence Modeling of protein sequence and biophysical properties (such as structural, functional, and spatial information, amino acid conservation, physicochemical variation, residue mobility, and thermodynamic stability) indicates that this missense variant is not expected to disrupt NOTCH1 protein function with a negative predictive value of 95%. In summary, the available evidence is currently insufficient to determine the role of this variant in disease. Therefore, it has been classified as a Variant of Uncertain Significance.

Centre of Medical Genetics, University of Antwerp
Classification: Uncertain significance for Familial thoracic aortic aneurysm and aortic dissection. Last evaluated: 2024-09-06. Review status: criteria provided, single submitter. Criteria: ACMG Guidelines, 2015. Collection method: clinical testing. Allele origin: germline. Affected: yes.

NM_017617.5(NOTCH1):c.6970A>G (p.Asn2324Asp)

Gene: NOTCH1 (notch receptor 1; minus strand). Cytogenetic location: 9q34.3.
Variant type: single nucleotide variant.
Coding change: c.6970A>G on transcript NM_017617.5 (MANE Select); coding-DNA position 6970, A replaced by G.
Protein change: p.Asn2324Asp; replaces asparagine 2324 with aspartic acid.
Molecular consequence: missense variant.
Genome position (GRCh38, 1-based): chr9:136,496,769, T>C on the plus strand (A>G on the coding strand, the complement: NOTCH1 is on the minus strand). VCF-style: chr9-136496769-T-C. GRCh37 (hg19) VCF-style: chr9-139391221-T-C.
Other names: short protein forms N2324D.
Identifiers: ClinVar variation 4766941 (VCV004766941.2).